The following is an entry in ClinVar:

ClinVar aggregate classification (germline): Likely benign. Review status: criteria provided, single submitter (1 of 4 stars). 2 submissions from 2 submitters: Likely benign (1). 1 of the submissions does not count toward it. Last evaluated 2024-09-19.

Conditions:
DST-related disorder. Also called: DST-related disorders; DST-related condition.

Allele frequency attached by ClinVar (database versions not stated): gnomAD exomes below 0.00001.
gnomAD v4.1: 2 of 1,609,952 alleles (0.00012%); highest among the groups gnomAD compares: Non-Finnish European, 0.000085%; no homozygotes.

Submissions (2):

Blueprint Genetics
Classification: Likely benign. Last evaluated: 2024-09-19. Review status: criteria provided, single submitter. Criteria: ACMG Guidelines, 2015. Collection method: clinical testing. Allele origin: germline.

PreventionGenetics, part of Exact Sciences
Classification: Likely benign for DST-related condition. Last evaluated: 2024-01-11. Review status: no assertion criteria provided. Collection method: clinical testing. Allele origin: germline. Not counted in ClinVar's aggregate classification.
Comment: This variant is classified as likely benign based on ACMG/AMP sequence variant interpretation guidelines (Richards et al. 2015 PMID: 25741868, with internal and published modifications).

NM_001374736.1(DST):c.12786T>C (p.Asp4262=)

Gene: DST (dystonin; minus strand). Cytogenetic location: 6p12.1.
Variant type: single nucleotide variant.
Coding change: c.12786T>C on transcript NM_001374736.1 (MANE Select); coding-DNA position 12786, T replaced by C.
Protein change: p.Asp4262=; no amino-acid change (aspartic acid 4262 retained).
Molecular consequence: synonymous variant.
Genome position (GRCh38, 1-based): chr6:56,592,299, A>G on the plus strand (T>C on the coding strand, the complement: DST is on the minus strand). VCF-style: chr6-56592299-A-G. GRCh37 (hg19) VCF-style: chr6-56457097-A-G.
Other names: c.6429T>C, p.Asp2143= (NM_001144769.5); c.6015T>C, p.Asp2005= (NM_001144770.2); c.12786T>C, p.Asp4262= (NM_001374722.1); c.12153T>C, p.Asp4051= (NM_001374729.1); c.5895T>C, p.Asp1965= (NM_001374730.1, NM_001386100.1, NM_183380.4); c.12813T>C, p.Asp4271= (NM_001374734.1); c.4917T>C, p.Asp1639= (NM_015548.5).
Identifiers: ClinVar variation 3052295 (VCV003052295.3), dbSNP rs2098291161, ClinGen allele CA450488692.